The following is an entry in ClinVar:

NM_001013838.3(CARMIL2):c.1208G>A (p.Arg403Gln)

Gene: CARMIL2 (capping protein regulator and myosin 1 linker 2; plus strand). Cytogenetic location: 16q22.1.
Variant type: single nucleotide variant.
Coding change: c.1208G>A on transcript NM_001013838.3 (MANE Select); coding-DNA position 1208, G replaced by A.
Protein change: p.Arg403Gln; replaces arginine 403 with glutamine.
Molecular consequence: missense variant. On other transcripts: intron variant (1).
Genome position (GRCh38, 1-based): chr16:67,648,188, G>A. VCF-style: chr16-67648188-G-A. GRCh37 (hg19) VCF-style: chr16-67682091-G-A.
Other names: c.1150-50G>A (NM_001317026.3); short protein forms R403Q.
Identifiers: ClinVar variation 1948580 (VCV001948580.5), dbSNP rs760709970, ClinGen allele CA8113370.

ClinVar aggregate classification (germline): Uncertain significance (1 of 4 stars; one submission).

Allele frequency attached by ClinVar (database versions not stated): gnomAD exomes below 0.00001; ExAC 0.00001.
gnomAD v4.1: 7 of 1,608,260 alleles (0.00044%); highest among the groups gnomAD compares: East Asian, 0.011%; no homozygotes.

Submission:

Labcorp Genetics (formerly Invitae), Labcorp
Classification: Uncertain significance. Last evaluated: 2022-06-01. Review status: criteria provided, single submitter. Criteria: Invitae Variant Classification Sherloc (09022015). Collection method: clinical testing. Allele origin: germline.
Comment: This sequence change replaces arginine, which is basic and polar, with glutamine, which is neutral and polar, at codon 403 of the CARMIL2 protein (p.Arg403Gln). This variant is present in population databases (rs760709970, gnomAD 0.003%). This variant has not been reported in the literature in individuals affected with CARMIL2-related conditions. Algorithms developed to predict the effect of missense changes on protein structure and function output the following: SIFT: "Deleterious"; PolyPhen-2: "Benign"; Align-GVGD: "Class C0". The glutamine amino acid residue is found in multiple mammalian species, which suggests that this missense change does not adversely affect protein function. In summary, the available evidence is currently insufficient to determine the role of this variant in disease. Therefore, it has been classified as a Variant of Uncertain Significance.